The following is an entry in ClinVar:

ClinVar aggregate classification (germline): Uncertain significance. Review status: criteria provided, multiple submitters, no conflicts (2 of 4 stars). 2 submissions from 2 submitters: Uncertain significance (2). Last evaluated 2024-09-04.

Conditions:
Hajdu-Cheney syndrome (HJCYS). Also called: ACROOSTEOLYSIS WITH OSTEOPOROSIS AND CHANGES IN SKULL AND MANDIBLE; Acroosteolysis dominant type; SERPENTINE FIBULA-POLYCYSTIC KIDNEY SYNDROME. Identifiers: Orphanet 955, MedGen C0917715, MONDO:0007057, OMIM 102500.
Alagille syndrome due to a NOTCH2 point mutation. Also called: Alagille syndrome 2. Identifiers: Orphanet 261629, Orphanet 52, MedGen C1857761, MONDO:0012439, OMIM 610205.

Allele frequency attached by ClinVar (database versions not stated): gnomAD exomes below 0.00001; gnomAD 0.00002; TOPMed 0.00003.
gnomAD v4.1: 9 of 1,614,008 alleles (0.00056%); highest among the groups gnomAD compares: Admixed American, 0.0067%; no homozygotes.

Submissions (2):

Labcorp Genetics (formerly Invitae), Labcorp
Classification: Uncertain significance for Hajdu-Cheney syndrome. Last evaluated: 2024-09-04. Review status: criteria provided, single submitter. Criteria: Invitae Variant Classification Sherloc (09022015). Collection method: clinical testing. Allele origin: germline.
Comment: This sequence change replaces aspartic acid, which is acidic and polar, with histidine, which is basic and polar, at codon 757 of the NOTCH2 protein (p.Asp757His). This variant is present in population databases (no rsID available, gnomAD 0.004%). This variant has not been reported in the literature in individuals affected with NOTCH2-related conditions. ClinVar contains an entry for this variant (Variation ID: 1974947). An algorithm developed to predict the effect of missense changes on protein structure and function (PolyPhen-2) suggests that this variant is likely to be disruptive. In summary, the available evidence is currently insufficient to determine the role of this variant in disease. Therefore, it has been classified as a Variant of Uncertain Significance.

Fulgent Genetics
Classification: Uncertain significance for Hajdu-Cheney syndrome; Alagille syndrome due to a NOTCH2 point mutation. Last evaluated: 2024-04-29. Review status: criteria provided, single submitter. Criteria: ACMG Guidelines, 2015. Collection method: clinical testing. Allele origin: germline.

NM_024408.4(NOTCH2):c.2269G>C (p.Asp757His)

Gene: NOTCH2 (notch receptor 2; minus strand). Cytogenetic location: 1p12.
Variant type: single nucleotide variant.
Coding change: c.2269G>C on transcript NM_024408.4 (MANE Select); coding-DNA position 2269, G replaced by C.
Protein change: p.Asp757His; replaces aspartic acid 757 with histidine.
Molecular consequence: missense variant.
Genome position (GRCh38, 1-based): chr1:119,953,639, C>G on the plus strand (G>C on the coding strand, the complement: NOTCH2 is on the minus strand). VCF-style: chr1-119953639-C-G. GRCh37 (hg19) VCF-style: chr1-120496262-C-G.
Other names: c.2269G>C, p.Asp757His (NM_001200001.2); short protein forms D757H.
Identifiers: ClinVar variation 1974947 (VCV001974947.6), dbSNP rs1424360694, ClinGen allele CA341864702.